The following is an entry in ClinVar:

ClinVar aggregate classification (germline): Uncertain significance (1 of 4 stars; one submission).

Conditions:
Primary dilated cardiomyopathy (DCM). Also called: Dilated Cardiomyopathy. Identifiers: Orphanet 217604, MedGen C0007193, MeSH D002311, MONDO:0005021, HP:0001644. Inheritance: Various modes of inheritance.

gnomAD v4.1: 2 of 1,592,158 alleles (0.00013%); highest among the groups gnomAD compares: Admixed American, 0.0033%; no homozygotes.

Submission:

Labcorp Genetics (formerly Invitae), Labcorp
Classification: Uncertain significance for Primary dilated cardiomyopathy. Last evaluated: 2025-07-08. Review status: criteria provided, single submitter. Criteria: Invitae Variant Classification Sherloc (09022015). Collection method: clinical testing. Allele origin: germline.
Comment: This sequence change affects a donor splice site in intron 7 of the NEBL gene. It is expected to disrupt RNA splicing. Variants that disrupt the donor or acceptor splice site typically lead to a loss of protein function (PMID: 16199547), however the current clinical and genetic evidence is not sufficient to establish whether loss-of-function variants in NEBL cause disease. This variant is present in population databases (rs770732327, gnomAD 0.003%). This variant has not been reported in the literature in individuals affected with NEBL-related conditions. Algorithms developed to predict the effect of sequence changes on RNA splicing suggest that this variant may disrupt the consensus splice site. In summary, the available evidence is currently insufficient to determine the role of this variant in disease. Therefore, it has been classified as a Variant of Uncertain Significance.

Literature cited by the submitters: PubMed 16199547.

NM_006393.3(NEBL):c.684+1G>T

Gene: NEBL (nebulette; minus strand). Cytogenetic location: 10p12.31.
Variant type: single nucleotide variant.
Coding change: c.684+1G>T on transcript NM_006393.3 (MANE Select); the canonical splice donor site of the intron after coding-DNA position 684, G replaced by T.
Molecular consequence: splice donor variant. On other transcripts: intron variant (9).
Genome position (GRCh38, 1-based): chr10:20,868,663, C>A on the plus strand (G>T on the coding strand, the complement: NEBL is on the minus strand). VCF-style: chr10-20868663-C-A. GRCh37 (hg19) VCF-style: chr10-21157592-C-A.
Other names: c.250-55723G>T (NM_001377326.1, NM_001377327.1, NM_001377328.1); c.358-55723G>T (NM_213569.2, NM_001173484.2, NM_001377322.1); c.301-55723G>T (NM_001377324.1); c.292-55723G>T (NM_001377325.1); c.310-55723G>T (NM_001377323.1).
Identifiers: ClinVar variation 4778118 (VCV004778118.1).